The following is an entry in ClinVar:

ClinVar aggregate classification (germline): Uncertain significance (1 of 4 stars; one submission).

Conditions:
Spondyloepiphyseal dysplasia with congenital joint dislocations (SEDCJD). Also called: Chondrodysplasia with Congenital Joint Dislocations, CHST3-Related. Identifiers: Orphanet 263463, MedGen C1837657, MONDO:0007738, OMIM 143095.

Allele frequency attached by ClinVar (database versions not stated): gnomAD 0.00001; TOPMed 0.00002; gnomAD exomes 0.00003.
gnomAD v4.1: 109 of 1,549,396 alleles (0.007%); highest among the groups gnomAD compares: Non-Finnish European, 0.0092%; no homozygotes.

Submission:

Labcorp Genetics (formerly Invitae), Labcorp
Classification: Uncertain significance for Spondyloepiphyseal dysplasia with congenital joint dislocations. Last evaluated: 2024-11-26. Review status: criteria provided, single submitter. Criteria: Invitae Variant Classification Sherloc (09022015). Collection method: clinical testing. Allele origin: germline.
Comment: This sequence change replaces glycine, which is neutral and non-polar, with serine, which is neutral and polar, at codon 332 of the CHST3 protein (p.Gly332Ser). This variant is present in population databases (no rsID available, gnomAD 0.02%). This variant has not been reported in the literature in individuals affected with CHST3-related conditions. ClinVar contains an entry for this variant (Variation ID: 1345661). Invitae Evidence Modeling of protein sequence and biophysical properties (such as structural, functional, and spatial information, amino acid conservation, physicochemical variation, residue mobility, and thermodynamic stability) indicates that this missense variant is not expected to disrupt CHST3 protein function with a negative predictive value of 95%. In summary, the available evidence is currently insufficient to determine the role of this variant in disease. Therefore, it has been classified as a Variant of Uncertain Significance.

NM_004273.5(CHST3):c.994G>A (p.Gly332Ser)

Gene: CHST3 (carbohydrate sulfotransferase 3; plus strand). Cytogenetic location: 10q22.1.
Variant type: single nucleotide variant.
Coding change: c.994G>A on transcript NM_004273.5 (MANE Select); coding-DNA position 994, G replaced by A.
Protein change: p.Gly332Ser; replaces glycine 332 with serine.
Molecular consequence: missense variant.
Genome position (GRCh38, 1-based): chr10:72,008,025, G>A. VCF-style: chr10-72008025-G-A. GRCh37 (hg19) VCF-style: chr10-73767783-G-A.
Other names: short protein forms G332S.
Identifiers: ClinVar variation 1345661 (VCV001345661.5), dbSNP rs971956671, ClinGen allele CA209479327.